The following is an entry in ClinVar:

ClinVar aggregate classification (germline): Likely benign (1 of 4 stars; one submission).

gnomAD v4.1: 612 of 1,612,230 alleles (0.038%); highest among the groups gnomAD compares: South Asian, 0.61%; 7 homozygotes.

Submission:

CeGaT Center for Human Genetics Tuebingen
Classification: Likely benign. Last evaluated: 2025-11-01. Review status: criteria provided, single submitter. Criteria: CeGaT Center For Human Genetics Tuebingen Variant Classification Criteria Version 2. Collection method: clinical testing. Allele origin: germline. Affected: yes. Observed: 1 variant allele.
Comment: PROM2: BP4, BS2

NM_001165978.3(PROM2):c.338C>T (p.Ala113Val)

Gene: PROM2 (prominin 2; plus strand). Cytogenetic location: 2q11.1.
Variant type: single nucleotide variant.
Coding change: c.338C>T on transcript NM_001165978.3 (MANE Select); coding-DNA position 338, C replaced by T.
Protein change: p.Ala113Val; replaces alanine 113 with valine.
Molecular consequence: missense variant. On other transcripts: 5 prime UTR variant (1).
Genome position (GRCh38, 1-based): chr2:95,275,973, C>T. VCF-style: chr2-95275973-C-T. GRCh37 (hg19) VCF-style: chr2-95941721-C-T.
Other names: c.338C>T, p.Ala113Val (NM_001165977.3, NM_144707.4); c.-631C>T (NM_001321070.2); short protein forms A113V.
Identifiers: ClinVar variation 4533784 (VCV004533784.6).